The following is an entry in ClinVar:

ClinVar aggregate classification (germline): Likely benign (1 of 4 stars; one submission).

Allele frequency attached by ClinVar (database versions not stated): gnomAD 0.00001; TOPMed 0.00001; gnomAD exomes 0.00005.
gnomAD v4.1: 77 of 1,564,734 alleles (0.0049%); highest among the groups gnomAD compares: Non-Finnish European, 0.0065%; no homozygotes.

Submission:

GeneDx
Classification: Likely benign. Last evaluated: 2016-02-12. Review status: criteria provided, single submitter. Criteria: GeneDx Variant Classification (06012015). Collection method: clinical testing. Allele origin: germline. Affected: yes.
Comment: This variant is considered likely benign or benign based on one or more of the following criteria: it is a conservative change, it occurs at a poorly conserved position in the protein, it is predicted to be benign by multiple in silico algorithms, and/or has population frequency not consistent with disease.

NM_145239.3(PRRT2):c.-32C>T

Genes: MVP-DT (MVP divergent transcript; minus strand), PRRT2 (proline rich transmembrane protein 2; plus strand). Cytogenetic location: 16p11.2.
Variant type: single nucleotide variant.
Coding change: c.-32C>T on transcript NM_145239.3 (MANE Select); 32 bases upstream of the start codon, C replaced by T.
Molecular consequence: 5 prime UTR variant.
Genome position (GRCh38, 1-based): chr16:29,813,023, C>T. VCF-style: chr16-29813023-C-T. GRCh37 (hg19) VCF-style: chr16-29824344-C-T.
Other names: c.-32C>T (NM_001256442.2, NM_001256443.2).
Identifiers: ClinVar variation 383450 (VCV000383450.1), dbSNP rs777663292, ClinGen allele CA16607387.